The following is an entry in ClinVar:

NM_004100.5(EYA4):c.*2184A>T

Genes: TARID (TCF21 antisense RNA inducing promoter demethylation; minus strand), EYA4 (EYA transcriptional coactivator and phosphatase 4; plus strand). Cytogenetic location: 6q23.2.
Variant type: single nucleotide variant.
Coding change: c.*2184A>T on transcript NM_004100.5 (MANE Select); 2184 bases downstream of the stop codon, A replaced by T.
Molecular consequence: 3 prime UTR variant.
Genome position (GRCh38, 1-based): chr6:133,530,989, A>T. VCF-style: chr6-133530989-A-T. GRCh37 (hg19) VCF-style: chr6-133852127-A-T.
Other names: c.*2184A>T (NM_001301012.2, NM_001301013.2, NM_001370458.1 and 3 more transcripts).
Identifiers: ClinVar variation 355464 (VCV000355464.6), dbSNP rs17053542, ClinGen allele CA10621482.

ClinVar aggregate classification (germline): Benign. Review status: criteria provided, multiple submitters, no conflicts (2 of 4 stars). 3 submissions from 2 submitters: Benign (3). Last evaluated 2021-05-11.

Conditions:
Dilated cardiomyopathy 1J (CMD1J). Also called: CARDIOMYOPATHY, DILATED, WITH SENSORINEURAL HEARING LOSS, AUTOSOMAL DOMINANT. Identifiers: Orphanet 217622, MedGen C1854368, MONDO:0011541, OMIM 605362.
Autosomal dominant nonsyndromic hearing loss 10. Identifiers: Orphanet 90635, MedGen C1832476, MONDO:0011031, OMIM 601316.

Allele frequency attached by ClinVar (database versions not stated): gnomAD exomes 0.15125; gnomAD 0.20069 and 0.20492; 1000 Genomes Project 0.20168; TOPMed 0.20691; 1000 Genomes Project 30x 0.21081.
gnomAD v4.1: 201,767 of 1,282,968 alleles (16%); highest among the groups gnomAD compares: African/African-American, 36%; 18,054 homozygotes.

Submissions (3):

GeneDx
Classification: Benign. Last evaluated: 2021-05-11. Review status: criteria provided, single submitter. Criteria: GeneDx Variant Classification Process June 2021. Collection method: clinical testing. Allele origin: germline. Affected: yes.

Illumina Laboratory Services, Illumina
Classification: Benign for Autosomal dominant nonsyndromic hearing loss 10. Last evaluated: 2018-01-13. Review status: criteria provided, single submitter. Criteria: ICSL Variant Classification Criteria 13 December 2019. Collection method: clinical testing. Allele origin: germline.
Comment: This variant was observed in the ICSL laboratory as part of a predisposition screen in an ostensibly healthy population. It had not been previously curated by ICSL or reported in the Human Gene Mutation Database (HGMD: prior to June 1st, 2018), and was therefore a candidate for classification through an automated scoring system. Utilizing variant allele frequency, disease prevalence and penetrance estimates, and inheritance mode, an automated score was calculated to assess if this variant is too frequent to cause the disease. Based on the score and internal cut-off values, a variant classified as benign is not then subjected to further curation. The score for this variant resulted in a classification of benign for this disease.

Illumina Laboratory Services, Illumina
Classification: Benign for Dilated cardiomyopathy 1J. Last evaluated: 2018-01-13. Review status: criteria provided, single submitter. Criteria: ICSL Variant Classification Criteria 13 December 2019. Collection method: clinical testing. Allele origin: germline.
Comment: the same text as in the submission from Illumina Laboratory Services, Illumina above.